The following is an entry in ClinVar:

NC_000001.10:g.(?_108724543)_(108742760_?)del

Gene: SLC25A24 (solute carrier family 25 member 24; minus strand). Cytogenetic location: 1p13.3.
Variant type: Deletion.
Identifiers: ClinVar variation 2425864 (VCV002425864.4).

ClinVar aggregate classification (germline): Uncertain significance (1 of 4 stars; one submission).

Submission:

Labcorp Genetics (formerly Invitae), Labcorp
Classification: Uncertain significance. Last evaluated: 2022-03-12. Review status: criteria provided, single submitter. Criteria: Invitae Variant Classification Sherloc (09022015). Collection method: clinical testing. Allele origin: germline.
Comment: In summary, the available evidence is currently insufficient to determine the role of this variant in disease. Therefore, it has been classified as a Variant of Uncertain Significance. This variant has not been reported in the literature in individuals affected with SLC25A24-related conditions. This variant is a gross deletion of the genomic region encompassing exon(s) 1-3 of the SLC25A24 gene, which includes the initiator codon. This deletion extends beyond the assayed region for this gene and therefore may encompass additional genes. It is expected to result in an absent or disrupted protein product. However, the current clinical and genetic evidence is not sufficient to establish whether loss-of-function variants in SLC25A24 cause disease.